The following is an entry in ClinVar:

NM_000019.4(ACAT1):c.826+85_826+86insGTAA

Gene: ACAT1 (acetyl-CoA acetyltransferase 1; plus strand). Cytogenetic location: 11q22.3.
Variant type: Insertion.
Coding change: c.826+85_826+86insGTAA on transcript NM_000019.4 (MANE Select); bases 85 to 86 of the intron after coding-DNA position 826, GTAA inserted.
Molecular consequence: intron variant.
Genome position: GRCh38 VCF-style: chr11-108141783-A-AAAGT. GRCh37 (hg19) VCF-style: chr11-108012510-A-AAAGT.
Other names: c.826+85_826+86insGTAA (LRG_1400t1).
Identifiers: ClinVar variation 632624 (VCV000632624.7), dbSNP rs10682490, ClinGen allele CA228356402.

ClinVar aggregate classification (germline): Benign. Review status: criteria provided, multiple submitters, no conflicts (2 of 4 stars). 3 submissions from 3 submitters: Benign (3). Last evaluated 2021-07-14.

Conditions:
Deficiency of acetyl-CoA acetyltransferase. Also called: MITOCHONDRIAL ACETOACETYL-CoA THIOLASE DEFICIENCY; Beta-ketothiolase deficiency; 3-KETOTHIOLASE DEFICIENCY; 3-OXOTHIOLASE DEFICIENCY. Identifiers: Orphanet 134, MedGen C1536500, MONDO:0008760, OMIM 203750. Disease mechanism: loss of function.

Submissions (3):

Genome-Nilou Lab
Classification: Benign for Deficiency of acetyl-CoA acetyltransferase. Last evaluated: 2021-07-14. Review status: criteria provided, single submitter. Criteria: ACMG Guidelines, 2015. Collection method: clinical testing. Allele origin: germline. Affected: no.

GeneDx
Classification: Benign. Last evaluated: 2021-05-23. Review status: criteria provided, single submitter. Criteria: GeneDx Variant Classification Process June 2021. Collection method: clinical testing. Allele origin: germline. Affected: yes.

Women's Health and Genetics/Laboratory Corporation of America, LabCorp
Classification: Benign. Last evaluated: 2017-09-14. Review status: criteria provided, single submitter. Criteria: LabCorp Variant Classification Summary - May 2015. Collection method: clinical testing. Allele origin: germline.
Comment: Variant summary: The ACAT1 c.826+85_826+86insGTAA variant involves a deep intronic alteration, with one in silico tool predicting a benign outcome for this variant. 3/5 splice prediction tools predict a significant impact on normal splicing. However, these predictions have yet to be confirmed by functional studies. This variant was found in 30741/30958 control chromosomes at a frequency of 0.9929905, which is approximately 344 times the estimated maximal expected allele frequency of a pathogenic ACAT1 variant (0.0028868), suggesting this variant is likely a benign polymorphism. However, it does need to be noted that the site is indicated to be a low quality site. The variant of interest has not, to our knowledge, been reported in affected individuals via publications and/or reputable databases/clinical diagnostic laboratories. Because of the absence of clinical information and the lack of functional studies, the variant is classified as "benign."